The following is an entry in ClinVar:

NM_006363.6(SEC23B):c.1029T>C (p.Asn343=)

Gene: SEC23B (SEC23 homolog B, COPII component; plus strand). Cytogenetic location: 20p11.23.
Variant type: single nucleotide variant.
Coding change: c.1029T>C on transcript NM_006363.6 (MANE Select); coding-DNA position 1029, T replaced by C.
Protein change: p.Asn343=; no amino-acid change (asparagine 343 retained).
Molecular consequence: synonymous variant.
Genome position (GRCh38, 1-based): chr20:18,527,531, T>C. VCF-style: chr20-18527531-T-C. GRCh37 (hg19) VCF-style: chr20-18508175-T-C.
Other names: c.1029T>C, p.Asn343= (NM_001172745.3, NM_032985.6, NM_032986.5); c.975T>C, p.Asn325= (NM_001172746.3).
Identifiers: ClinVar variation 2922597 (VCV002922597.4), dbSNP rs754318349, ClinGen allele CA9778205.

ClinVar aggregate classification (germline): Likely benign. Review status: criteria provided, multiple submitters, no conflicts (2 of 4 stars). 2 submissions from 2 submitters: Likely benign (2). Last evaluated 2026-09-01.

Conditions:
Congenital dyserythropoietic anemia, type II (CDAN2). Also called: DYSERYTHROPOIETIC ANEMIA, HEMPAS TYPE. Identifiers: Orphanet 98873, MedGen C1306589, MONDO:0009134, OMIM 224100.
Cowden syndrome 7 (CWS7). Identifiers: Orphanet 201, MedGen C4225179, MONDO:0014802, OMIM 616858.

Allele frequency attached by ClinVar (database versions not stated): gnomAD exomes below 0.00001; TOPMed below 0.00001; gnomAD 0.00001; ExAC 0.00002.
gnomAD v4.1: 5 of 1,613,342 alleles (0.00031%); highest among the groups gnomAD compares: Admixed American, 0.005%; no homozygotes.

Submissions (2):

CeGaT Center for Human Genetics Tuebingen
Classification: Likely benign. Last evaluated: 2026-09-01. Review status: criteria provided, single submitter. Criteria: CeGaT Center For Human Genetics Tuebingen Variant Classification Criteria Version 2. Collection method: clinical testing. Allele origin: germline. Affected: yes. Observed: 1 variant allele.
Comment: SEC23B: BP4, BP7

Labcorp Genetics (formerly Invitae), Labcorp
Classification: Likely benign for Congenital dyserythropoietic anemia, type II; Cowden syndrome 7. Last evaluated: 2023-04-09. Review status: criteria provided, single submitter. Criteria: Invitae Variant Classification Sherloc (09022015). Collection method: clinical testing. Allele origin: germline.